The following is an entry in ClinVar:

ClinVar aggregate classification (germline): Uncertain significance (1 of 4 stars; one submission).

Conditions:
Cardiovascular phenotype. Identifiers: MedGen CN230736.

Submission:

Ambry Genetics
Classification: Uncertain significance for Cardiovascular phenotype. Last evaluated: 2025-02-27. Review status: criteria provided, single submitter. Criteria: Ambry Variant Classification Scheme 2023. Collection method: clinical testing. Allele origin: germline.
Comment: The p.G1123E variant (also known as c.3368G>A), located in coding exon 8 of the HCN4 gene, results from a G to A substitution at nucleotide position 3368. The glycine at codon 1123 is replaced by glutamic acid, an amino acid with similar properties. This amino acid position is conserved. In addition, this alteration is predicted to be tolerated by in silico analysis. Based on the available evidence, the clinical significance of this variant remains unclear.

NM_005477.3(HCN4):c.3368G>A (p.Gly1123Glu)

Gene: HCN4 (hyperpolarization activated cyclic nucleotide gated potassium channel 4; minus strand). Cytogenetic location: 15q24.1.
Variant type: single nucleotide variant.
Coding change: c.3368G>A on transcript NM_005477.3 (MANE Select); coding-DNA position 3368, G replaced by A.
Protein change: p.Gly1123Glu; replaces glycine 1123 with glutamic acid.
Molecular consequence: missense variant.
Genome position (GRCh38, 1-based): chr15:73,322,725, C>T on the plus strand (G>A on the coding strand, the complement: HCN4 is on the minus strand). VCF-style: chr15-73322725-C-T. GRCh37 (hg19) VCF-style: chr15-73615066-C-T.
Other names: short protein forms G1123E.
Identifiers: ClinVar variation 3856998 (VCV003856998.1).